The following is an entry in ClinVar:

NM_014425.5(INVS):c.2443C>T (p.Arg815Trp)

Gene: INVS (inversin; plus strand). Cytogenetic location: 9q31.1.
Variant type: single nucleotide variant.
Coding change: c.2443C>T on transcript NM_014425.5 (MANE Select); coding-DNA position 2443, C replaced by T.
Protein change: p.Arg815Trp; replaces arginine 815 with tryptophan.
Molecular consequence: missense variant. On other transcripts: non-coding transcript variant (1).
Genome position (GRCh38, 1-based): chr9:100,292,700, C>T. VCF-style: chr9-100292700-C-T. GRCh37 (hg19) VCF-style: chr9-103054982-C-T.
Other names: c.2155C>T, p.Arg719Trp (NM_001318381.2); c.1465C>T, p.Arg489Trp (NM_001318382.2); c.2443C>T (NM_014425.2); short protein forms R815W, R489W, R719W.
Identifiers: ClinVar variation 411192 (VCV000411192.15), dbSNP rs564509196, ClinGen allele CA5158628.

ClinVar aggregate classification (germline): Uncertain significance. Review status: criteria provided, multiple submitters, no conflicts (2 of 4 stars). 4 submissions from 4 submitters: Uncertain significance (4). Last evaluated 2024-04-06.

Conditions:
Inborn genetic diseases. Identifiers: MedGen C0950123, MeSH D030342.
Infantile nephronophthisis (NPHP2). Also called: Nephronophthisis 2; Nephronophthisis 2, infantile. Identifiers: Orphanet 655, Orphanet 93591, MedGen C1865872, MONDO:0011190, OMIM 602088.
Nephronophthisis. Also called: Juvenile Nephronophthisis. Identifiers: Orphanet 655, MedGen C0687120, MONDO:0019005, HP:0000090.

Allele frequency attached by ClinVar (database versions not stated): ExAC 0.00001; gnomAD exomes 0.00001 and 0.00003; gnomAD 0.00004 and 0.00005; 1000 Genomes Project 30x 0.00016; 1000 Genomes Project 0.00020.
gnomAD v4.1: 48 of 1,614,050 alleles (0.003%); highest among the groups gnomAD compares: Middle Eastern, 0.049%; no homozygotes.

Submissions (4):

Labcorp Genetics (formerly Invitae), Labcorp
Classification: Uncertain significance for Nephronophthisis. Last evaluated: 2024-04-06. Review status: criteria provided, single submitter. Criteria: Invitae Variant Classification Sherloc (09022015). Collection method: clinical testing. Allele origin: germline.
Comment: This sequence change replaces arginine, which is basic and polar, with tryptophan, which is neutral and slightly polar, at codon 815 of the INVS protein (p.Arg815Trp). This variant is present in population databases (rs564509196, gnomAD 0.003%). This variant has not been reported in the literature in individuals affected with INVS-related conditions. ClinVar contains an entry for this variant (Variation ID: 411192). An algorithm developed to predict the effect of missense changes on protein structure and function (PolyPhen-2) suggests that this variant is likely to be disruptive. In summary, the available evidence is currently insufficient to determine the role of this variant in disease. Therefore, it has been classified as a Variant of Uncertain Significance.

Ambry Genetics
Classification: Uncertain significance for Inborn genetic diseases. Last evaluated: 2023-04-25. Review status: criteria provided, single submitter. Criteria: Ambry Variant Classification Scheme 2023. Collection method: clinical testing. Allele origin: germline.

Fulgent Genetics
Classification: Uncertain significance for Infantile nephronophthisis. Last evaluated: 2021-07-21. Review status: criteria provided, single submitter. Criteria: ACMG Guidelines, 2015. Collection method: clinical testing. Allele origin: unknown.

Eurofins Ntd Llc (ga)
Classification: Uncertain significance. Last evaluated: 2018-04-05. Review status: criteria provided, single submitter. Criteria: EGL ClinVar v180209 classification definitions. Collection method: clinical testing. Allele origin: germline. Observed: 1 variant allele, 1 heterozygote.